The following is an entry in ClinVar:

ClinVar aggregate classification (germline): Uncertain significance. Review status: criteria provided, multiple submitters, no conflicts (2 of 4 stars). 4 submissions from 4 submitters: Uncertain significance (4). Last evaluated 2025-08-04.

Conditions:
Type 2 diabetes mellitus. Also called: Type II diabetes mellitus. Identifiers: MedGen C0011860, MeSH D003924, MONDO:0005148, OMIM 125853, HP:0005978.
Diabetes mellitus type 1 (T1D). Also called: Diabetes Mellitus, Juvenile-Onset; Type I diabetes mellitus. Identifiers: MedGen C0011854, MONDO:0005147, OMIM 222100, HP:0100651.
Maturity-onset diabetes of the young type 3. Also called: MODY type 3; MODY, type III. Identifiers: Orphanet 552, MedGen C1838100, MeSH C563933, MONDO:0010894, OMIM 600496. Disease mechanism: loss of function.
Type 1 diabetes mellitus 20 (T1D20). Also called: Diabetes mellitus, insulin-dependent, 20. Identifiers: MedGen C2675866, MONDO:0012919, OMIM 612520.

Allele frequency attached by ClinVar (database versions not stated): gnomAD 0.00002 and 0.00001; gnomAD exomes 0.00002; ExAC 0.00003; TOPMed 0.00006.
gnomAD v4.1: 28 of 1,612,764 alleles (0.0017%); highest among the groups gnomAD compares: East Asian, 0.027%; no homozygotes.

Submissions (4):

Labcorp Genetics (formerly Invitae), Labcorp
Classification: Uncertain significance. Last evaluated: 2025-08-04. Review status: criteria provided, single submitter. Criteria: Invitae Variant Classification Sherloc (09022015). Collection method: clinical testing. Allele origin: germline.
Comment: This sequence change replaces valine, which is neutral and non-polar, with isoleucine, which is neutral and non-polar, at codon 567 of the HNF1A protein (p.Val567Ile). This variant is present in population databases (rs751368921, gnomAD 0.02%). This missense change has been observed in individual(s) with clinical features of HNF1A-related conditions (PMID: 12488961, 30155490, 32238361). ClinVar contains an entry for this variant (Variation ID: 994543). Invitae Evidence Modeling of protein sequence and biophysical properties (such as structural, functional, and spatial information, amino acid conservation, physicochemical variation, residue mobility, and thermodynamic stability) indicates that this missense variant is not expected to disrupt HNF1A protein function with a negative predictive value of 80%. Experimental studies have shown that this missense change affects HNF1A function (PMID: 12488961). In summary, the available evidence is currently insufficient to determine the role of this variant in disease. Therefore, it has been classified as a Variant of Uncertain Significance.

Blueprint Genetics
Classification: Uncertain significance. Last evaluated: 2024-09-10. Review status: criteria provided, single submitter. Criteria: ACMG Guidelines, 2015. Collection method: clinical testing. Allele origin: germline.

New York Genome Center
Classification: Uncertain significance for Type 1 diabetes mellitus 20; Diabetes mellitus type 1; Type 2 diabetes mellitus; Maturity-onset diabetes of the young type 3. Last evaluated: 2022-01-12. Review status: criteria provided, single submitter. Criteria: NYGC Assertion Criteria 2020. Collection method: clinical testing. Allele origin: germline. Observed: 1 heterozygote.

Athena Diagnostics
Classification: Uncertain significance. Last evaluated: 2019-11-21. Review status: criteria provided, single submitter. Criteria: Athena Diagnostics Criteria. Collection method: clinical testing. Allele origin: unknown.

Literature cited by the submitters: PubMed 12488961 (cited by Labcorp Genetics (formerly Invitae), Labcorp and Athena Diagnostics); PubMed 30155490 (cited by Labcorp Genetics (formerly Invitae), Labcorp and Athena Diagnostics); PubMed 32238361 (cited by Labcorp Genetics (formerly Invitae), Labcorp).

NM_000545.8(HNF1A):c.1699G>A (p.Val567Ile)

Gene: HNF1A (HNF1 homeobox A; plus strand). Cytogenetic location: 12q24.31.
Variant type: single nucleotide variant.
Coding change: c.1699G>A on transcript NM_000545.8 (MANE Select); coding-DNA position 1699, G replaced by A.
Protein change: p.Val567Ile; replaces valine 567 with isoleucine.
Molecular consequence: missense variant.
Genome position (GRCh38, 1-based): chr12:120,999,558, G>A. VCF-style: chr12-120999558-G-A. GRCh37 (hg19) VCF-style: chr12-121437361-G-A.
Other names: c.1720G>A, p.Val574Ile (NM_001306179.2); short protein forms V567I, V574I.
Identifiers: ClinVar variation 994543 (VCV000994543.13), dbSNP rs751368921, ClinGen allele CA6832150.
Genomic context (GRCh38, chr12:120,999,558, plus strand): 5'-ACTGAGGCCTCCAGTGAGTCCGGGCTTCACACGCCGGCATCTCAGGCCACCACCCTCCAC[G>A]TCCCCAGCCAGGACCCTGCCAGCATCCAGCACCTGCAGCCGGCCCACCGGCTCAGCGCCA-3'
Protein context (NP_000536.6, residues 557-577): TPASQATTLH[Val567Ile]PSQDPASIQH